The following is an entry in ClinVar:

NM_000059.4(BRCA2):c.9313T>C (p.Phe3105Leu)

Gene: BRCA2 (BRCA2 DNA repair associated; plus strand). Cytogenetic location: 13q13.1.
Variant type: single nucleotide variant.
Coding change: c.9313T>C on transcript NM_000059.4 (MANE Select); coding-DNA position 9313, T replaced by C.
Protein change: p.Phe3105Leu; replaces phenylalanine 3105 with leucine.
Molecular consequence: missense variant. On other transcripts: non-coding transcript variant (1).
Genome position (GRCh38, 1-based): chr13:32,394,745, T>C. VCF-style: chr13-32394745-T-C. GRCh37 (hg19) VCF-style: chr13-32968882-T-C.
Other names: c.9217T>C, p.Phe3073Leu (NM_001406719.1); c.9262T>C, p.Phe3088Leu (NM_001406720.1); c.4381T>C, p.Phe1461Leu (NM_001406721.1); c.2896T>C, p.Phe966Leu (NM_001406722.1); c.9313T>C, p.Phe3105Leu (NM_001432077.1); short protein forms F1461L, F3073L, F3088L, F3105L, F966L.
Identifiers: ClinVar variation 4758278 (VCV004758278.1).

ClinVar aggregate classification (germline): Uncertain significance (1 of 4 stars; one submission).

Conditions:
Hereditary cancer-predisposing syndrome. Also called: Tumor predisposition; Hereditary Cancer Syndrome; Neoplastic Syndromes, Hereditary; Hereditary neoplastic syndrome. Identifiers: Orphanet 140162, MedGen C0027672, MeSH D009386, MONDO:0015356.

Submission:

Color Diagnostics, LLC DBA Color Health
Classification: Uncertain significance for Hereditary cancer-predisposing syndrome. Last evaluated: 2025-11-10. Review status: criteria provided, single submitter. Criteria: ACMG Guidelines, 2015. Collection method: clinical testing. Allele origin: germline.
Comment: This missense variant replaces phenylalanine with leucine at codon 3105 of the BRCA2 protein. Computational prediction is inconclusive regarding the impact of this variant on protein structure and function. To our knowledge, functional studies have not been reported for this variant. This variant has not been reported in individuals affected with BRCA2-related disorders in the literature. This variant has not been identified in the general population by the Genome Aggregation Database (gnomAD). The available evidence is insufficient to determine the role of this variant in disease conclusively. Therefore, this variant is classified as a Variant of Uncertain Significance.